The following is an entry in ClinVar:

NM_183357.3(ADCY5):c.2838C>T (p.Ile946=)

Gene: ADCY5 (adenylate cyclase 5; minus strand). Cytogenetic location: 3q21.1.
Variant type: single nucleotide variant.
Coding change: c.2838C>T on transcript NM_183357.3 (MANE Select); coding-DNA position 2838, C replaced by T.
Protein change: p.Ile946=; no amino-acid change (isoleucine 946 retained).
Molecular consequence: synonymous variant.
Genome position (GRCh38, 1-based): chr3:123,300,182, G>A on the plus strand (C>T on the coding strand, the complement: ADCY5 is on the minus strand). VCF-style: chr3-123300182-G-A. GRCh37 (hg19) VCF-style: chr3-123019029-G-A.
Other names: c.1788C>T, p.Ile596= (NM_001199642.1); c.2838C>T, p.Ile946= (NM_001378259.1); c.2838C>T (NM_183357.2).
Identifiers: ClinVar variation 1621953 (VCV001621953.32), dbSNP rs375200141, ClinGen allele CA2576977.

ClinVar aggregate classification (germline): Likely benign. Review status: criteria provided, multiple submitters, no conflicts (2 of 4 stars). 3 submissions from 3 submitters: Likely benign (2). 1 of the submissions does not count toward it. Last evaluated 2024-10-16.

Conditions:
ADCY5-related disorder. Also called: ADCY5-related condition.

Allele frequency attached by ClinVar (database versions not stated): TOPMed 0.00010; gnomAD 0.00011 and 0.00012; gnomAD exomes 0.00012; ExAC 0.00013; ESP Exome Variant Server 0.00015.
gnomAD v4.1: 146 of 1,613,778 alleles (0.009%); highest among the groups gnomAD compares: Middle Eastern, 0.016%; no homozygotes.

Submissions (3):

Labcorp Genetics (formerly Invitae), Labcorp
Classification: Likely benign. Last evaluated: 2024-10-16. Review status: criteria provided, single submitter. Criteria: Invitae Variant Classification Sherloc (09022015). Collection method: clinical testing. Allele origin: germline.

CeGaT Center for Human Genetics Tuebingen
Classification: Likely benign. Last evaluated: 2022-11-01. Review status: criteria provided, single submitter. Criteria: CeGaT Center For Human Genetics Tuebingen Variant Classification Criteria Version 2. Collection method: clinical testing. Allele origin: germline. Affected: yes. Observed: 1 variant allele.
Comment: ADCY5: BP4, BP7

PreventionGenetics, part of Exact Sciences
Classification: Likely benign for ADCY5-related condition. Last evaluated: 2019-08-29. Review status: no assertion criteria provided. Collection method: clinical testing. Allele origin: germline. Not counted in ClinVar's aggregate classification.
Comment: This variant is classified as likely benign based on ACMG/AMP sequence variant interpretation guidelines (Richards et al. 2015 PMID: 25741868, with internal and published modifications).